The following is an entry in ClinVar:

NM_000338.3(SLC12A1):c.467A>G (p.Asp156Gly)

Gene: SLC12A1 (solute carrier family 12 member 1; plus strand). Cytogenetic location: 15q21.1.
Variant type: single nucleotide variant.
Coding change: c.467A>G on transcript NM_000338.3 (MANE Select); coding-DNA position 467, A replaced by G.
Protein change: p.Asp156Gly; replaces aspartic acid 156 with glycine.
Molecular consequence: missense variant.
Genome position (GRCh38, 1-based): chr15:48,220,680, A>G. VCF-style: chr15-48220680-A-G. GRCh37 (hg19) VCF-style: chr15-48512877-A-G.
Other names: c.467A>G, p.Asp156Gly (NM_001184832.2, NM_001384136.1); short protein forms D156G.
Identifiers: ClinVar variation 2976330 (VCV002976330.3), dbSNP rs758454017, ClinGen allele CA7546766.

ClinVar aggregate classification (germline): Uncertain significance (1 of 4 stars; one submission).

Allele frequency attached by ClinVar (database versions not stated): gnomAD exomes below 0.00001; ExAC 0.00001.
gnomAD v4.1: 2 of 1,613,784 alleles (0.00012%); highest among the groups gnomAD compares: South Asian, 0.0011%; no homozygotes.

Submission:

Labcorp Genetics (formerly Invitae), Labcorp
Classification: Uncertain significance. Last evaluated: 2023-10-13. Review status: criteria provided, single submitter. Criteria: Invitae Variant Classification Sherloc (09022015). Collection method: clinical testing. Allele origin: germline.
Comment: This sequence change replaces aspartic acid, which is acidic and polar, with glycine, which is neutral and non-polar, at codon 156 of the SLC12A1 protein (p.Asp156Gly). This variant is present in population databases (rs758454017, gnomAD 0.003%). This variant has not been reported in the literature in individuals affected with SLC12A1-related conditions. An algorithm developed to predict the effect of missense changes on protein structure and function (PolyPhen-2) suggests that this variant is likely to be disruptive. In summary, the available evidence is currently insufficient to determine the role of this variant in disease. Therefore, it has been classified as a Variant of Uncertain Significance.